The following is an entry in ClinVar:

ClinVar aggregate classification (germline): Likely pathogenic (1 of 4 stars; one submission).

Allele frequency attached by ClinVar (database versions not stated): gnomAD exomes below 0.00001; TOPMed below 0.00001; gnomAD 0.00001.
gnomAD v4.1: 3 of 1,613,812 alleles (0.00019%); highest among the groups gnomAD compares: South Asian, 0.0022%; no homozygotes.

Submission:

GeneDx
Classification: Likely pathogenic. Last evaluated: 2016-03-16. Review status: criteria provided, single submitter. Criteria: GeneDx Variant Classification (06012015). Collection method: clinical testing. Allele origin: germline. Affected: yes.
Comment: A novel P1759S variant that is likely pathogenic has been identified in the SCN1A gene. The P1759S variant has not been published as a pathogenic variant, nor has it been reported as a benign variant to our knowledge. It was not observed in approximately 6,500 individuals of European and African American ancestry in the NHLBI Exome Sequencing Project, indicating it is not a common benign variant in these populations. The P1759S variant is a non-conservative amino acid substitution, which is likely to impact secondary protein structure as these residues differ in polarity, charge, size and/or other properties. Additionally, this substitution alters a conserved position predicted to be within the extracellular loop between transmembrane segments S5 and S6 of the fourth homologous domain of the SCN1A protein. Furthermore, missense variants in nearby residues (G1754R, D1755G, C1756G, G1762E) have been reported in the Human Gene Mutation Database in association with SCN1A-related disorders (Stenson et al., 2014), supporting the functional importance of this region of the protein. However, in silico analysis is inconsistent in its predictions as to whether or not the variant is damaging to the protein structure/function. Therefore, this variant is likely pathogenic; however, the possibility that it is benign cannot be excluded.

NM_001165963.4(SCN1A):c.5275C>T (p.Pro1759Ser)

Genes: SCN1A (sodium voltage-gated channel alpha subunit 1; minus strand), LOC102724058 (uncharacterized LOC102724058; plus strand). Cytogenetic location: 2q24.3.
Variant type: single nucleotide variant.
Coding change: c.5275C>T on transcript NM_001165963.4 (MANE Select); coding-DNA position 5275, C replaced by T.
Protein change: p.Pro1759Ser; replaces proline 1759 with serine.
Molecular consequence: missense variant. On other transcripts: non-coding transcript variant (1).
Genome position (GRCh38, 1-based): chr2:165,992,000, G>A on the plus strand (C>T on the coding strand, the complement: SCN1A is on the minus strand). VCF-style: chr2-165992000-G-A. GRCh37 (hg19) VCF-style: chr2-166848510-G-A.
Other names: c.5191C>T, p.Pro1731Ser (NM_001165964.3, NM_001353957.2, NM_001353958.2); c.5275C>T, p.Pro1759Ser (NM_001202435.3, NM_001353948.2); c.5242C>T, p.Pro1748Ser (NM_001353949.2, NM_001353950.2, NM_001353951.2 and 2 more transcripts); c.5239C>T, p.Pro1747Ser (NM_001353954.2, NM_001353955.2); c.5188C>T, p.Pro1730Ser (NM_001353960.2); c.2833C>T, p.Pro945Ser (NM_001353961.2); short protein forms P1748S, P1759S, P1730S, P1731S, P1747S, P945S.
Identifiers: ClinVar variation 420677 (VCV000420677.2), dbSNP rs1064794630, ClinGen allele CA16617281.
Genomic context (GRCh38, chr2:165,992,000, plus strand): 5'-TCACCACAACCAGGAAGGATATGATGATGTAACTGACAAAAAAGAAAATTCCAACAGATG[G>A]GTTCCCACAGTCTCCCTTAACTGAGCTTCCAGGGTTAACTTTATTAGGGTCACAGTCGGG-3'
Protein context (NP_001159435.1, residues 1749-1769): GSSVKGDCGN[Pro1759Ser]SVGIFFFVSY